The following is an entry in ClinVar:

NM_017654.4(SAMD9):c.1960A>G (p.Ile654Val)

Gene: SAMD9 (sterile alpha motif domain containing 9; minus strand). Cytogenetic location: 7q21.2.
Variant type: single nucleotide variant.
Coding change: c.1960A>G on transcript NM_017654.4 (MANE Select); coding-DNA position 1960, A replaced by G.
Protein change: p.Ile654Val; replaces isoleucine 654 with valine.
Molecular consequence: missense variant.
Genome position (GRCh38, 1-based): chr7:93,104,138, T>C on the plus strand (A>G on the coding strand, the complement: SAMD9 is on the minus strand). VCF-style: chr7-93104138-T-C. GRCh37 (hg19) VCF-style: chr7-92733451-T-C.
Other names: c.1960A>G, p.Ile654Val (NM_001193307.2); short protein forms I654V.
Identifiers: ClinVar variation 4843103 (VCV004843103.1).

ClinVar aggregate classification (germline): Uncertain significance (1 of 4 stars; one submission).

Conditions:
Inborn genetic diseases. Identifiers: MedGen C0950123, MeSH D030342.

Submission:

Ambry Genetics
Classification: Uncertain significance for Inborn genetic diseases. Last evaluated: 2025-12-15. Review status: criteria provided, single submitter. Criteria: Ambry Variant Classification Scheme 2023. Collection method: clinical testing. Allele origin: germline.
Comment: The p.I654V variant (also known as c.1960A>G), located in coding exon 1 of the SAMD9 gene, results from an A to G substitution at nucleotide position 1960. The isoleucine at codon 654 is replaced by valine, an amino acid with highly similar properties. This amino acid position is conserved. In addition, this alteration is predicted to be tolerated by in silico analysis. Based on the available evidence, the clinical significance of this variant remains unclear.